The following is an entry in ClinVar:

ClinVar aggregate classification (germline): Likely benign (0 of 4 stars; one submission).

Conditions:
RPGRIP1L-related disorder. Also called: RPGRIP1L-related condition; RPGRIP1L-related disorders. Identifiers: MedGen CN239416.

Submission:

PreventionGenetics, part of Exact Sciences
Classification: Likely benign for RPGRIP1L-related condition. Last evaluated: 2021-10-26. Review status: no assertion criteria provided. Collection method: clinical testing. Allele origin: germline.
Comment: This variant is classified as likely benign based on ACMG/AMP sequence variant interpretation guidelines (Richards et al. 2015 PMID: 25741868, with internal and published modifications).

NM_015272.5(RPGRIP1L):c.432T>C (p.Gly144=)

Gene: RPGRIP1L (RPGRIP1 like; minus strand). Cytogenetic location: 16q12.2.
Variant type: single nucleotide variant.
Coding change: c.432T>C on transcript NM_015272.5 (MANE Select); coding-DNA position 432, T replaced by C.
Protein change: p.Gly144=; no amino-acid change (glycine 144 retained).
Molecular consequence: synonymous variant.
Genome position (GRCh38, 1-based): chr16:53,692,163, A>G on the plus strand (T>C on the coding strand, the complement: RPGRIP1L is on the minus strand). VCF-style: chr16-53692163-A-G. GRCh37 (hg19) VCF-style: chr16-53726075-A-G.
Other names: c.432T>C, p.Gly144= (NM_001127897.4, NM_001308334.3, NM_001330538.2).
Identifiers: ClinVar variation 3355845 (VCV003355845.1).